The following is an entry in ClinVar:

ClinVar aggregate classification (germline): Pathogenic (1 of 4 stars; one submission).

Conditions:
Neurofibromatosis, type 1 (NF1). Also called: Peripheral type neurofibromatosis; NEUROFIBROMATOSIS, TYPE I, SOMATIC; VON RECKLINGHAUSEN DISEASE; Neurofibromatosis, type I. Identifiers: Orphanet 636, MedGen C0027831, MONDO:0018975, OMIM 162200. Disease mechanism: loss of function.

Submission:

Labcorp Genetics (formerly Invitae), Labcorp
Classification: Pathogenic for Neurofibromatosis, type 1. Last evaluated: 2025-01-17. Review status: criteria provided, single submitter. Criteria: Invitae Variant Classification Sherloc (09022015). Collection method: clinical testing. Allele origin: germline.
Comment: This sequence change affects an acceptor splice site in intron 36 of the NF1 gene. It is expected to disrupt RNA splicing. Variants that disrupt the donor or acceptor splice site typically lead to a loss of protein function (PMID: 16199547), and loss-of-function variants in NF1 are known to be pathogenic (PMID: 10712197, 23913538). This variant is not present in population databases (gnomAD no frequency). Disruption of this splice site has been observed in individuals with neurofibromatosis, type 1 (PMID: 10980545, 25325900). Algorithms developed to predict the effect of sequence changes on RNA splicing suggest that this variant may disrupt the consensus splice site. For these reasons, this variant has been classified as Pathogenic.

Literature cited by the submitters: PubMed 16199547; PubMed 10712197; PubMed 23913538; PubMed 10980545; PubMed 25325900.

NM_001042492.3(NF1):c.5269-2A>C

Gene: NF1 (neurofibromin 1; plus strand). Cytogenetic location: 17q11.2.
Variant type: single nucleotide variant.
Coding change: c.5269-2A>C on transcript NM_001042492.3 (MANE Select); the canonical splice acceptor site of the intron before coding-DNA position 5269, A replaced by C.
Molecular consequence: splice acceptor variant.
Genome position (GRCh38, 1-based): chr17:31,327,497, A>C. VCF-style: chr17-31327497-A-C. GRCh37 (hg19) VCF-style: chr17-29654515-A-C.
Other names: c.5206-2A>C (NM_000267.4).
Identifiers: ClinVar variation 3613707 (VCV003613707.2).